The following is an entry in ClinVar:

ClinVar aggregate classification (germline): Uncertain significance (1 of 4 stars; one submission).

Allele frequency attached by ClinVar (database versions not stated): ExAC 0.00001; gnomAD exomes 0.00001.
gnomAD v4.1: 20 of 1,611,180 alleles (0.0012%); highest among the groups gnomAD compares: Non-Finnish European, 0.0017%; no homozygotes.

Submission:

GeneDx
Classification: Uncertain significance. Last evaluated: 2022-04-04. Review status: criteria provided, single submitter. Criteria: GeneDx Variant Classification Process June 2021. Collection method: clinical testing. Allele origin: germline. Affected: yes.
Comment: Not observed at significant frequency in large population cohorts (gnomAD); In silico analysis supports that this missense variant has a deleterious effect on protein structure/function; Has not been previously published as pathogenic or benign to our knowledge

NM_024996.7(GFM1):c.228G>T (p.Met76Ile)

Gene: GFM1 (G elongation factor mitochondrial 1; plus strand). Cytogenetic location: 3q25.32.
Variant type: single nucleotide variant.
Coding change: c.228G>T on transcript NM_024996.7 (MANE Select); coding-DNA position 228, G replaced by T.
Protein change: p.Met76Ile; replaces methionine 76 with isoleucine.
Molecular consequence: missense variant. On other transcripts: initiator codon variant (1), 5 prime UTR variant (3), non-coding transcript variant (4).
Genome position (GRCh38, 1-based): chr3:158,645,775, G>T. VCF-style: chr3-158645775-G-T. GRCh37 (hg19) VCF-style: chr3-158363564-G-T.
Other names: c.228G>T, p.Met76Ile (NM_001308164.2, NM_001308166.2, NM_001374355.1 and 2 more transcripts); c.3G>T, p.Met1Ile (NM_001374357.1); c.-2G>T (NM_001374359.1, NM_001374360.1, NM_001374361.1); short protein forms M1I, M76I.
Identifiers: ClinVar variation 1708809 (VCV001708809.3), dbSNP rs746234485, ClinGen allele CA2682251.